The following is an entry in ClinVar:

ClinVar aggregate classification (germline): Conflicting classifications of pathogenicity. Review status: criteria provided, conflicting classifications (1 of 4 stars). 21 submissions from 17 submitters: Uncertain significance (3); Benign (8); Likely benign (5). 5 of the submissions do not count toward it. Last evaluated 2026-08-01.

Conditions:
Dilated cardiomyopathy 1G (CMD1G). Identifiers: Orphanet 154, MedGen C1858763, MONDO:0011400, OMIM 604145.
Autosomal recessive limb-girdle muscular dystrophy type 2J (LGMDR10). Also called: Limb-girdle muscular dystrophy, type 2J; MUSCULAR DYSTROPHY, LIMB-GIRDLE, AUTOSOMAL RECESSIVE 10. Identifiers: Orphanet 140922, MedGen C1837342, MONDO:0012127, OMIM 608807.
Cardiomyopathy (CMYO). Also called: Cardiomyopathies. Identifiers: Orphanet 167848, MedGen C0878544, MONDO:0004994, HP:0001638. Inheritance: Various modes of inheritance.
Myopathy, myofibrillar, 9, with early respiratory failure (MFM9). Also called: Hereditary myopathy with early respiratory failure; MYOPATHY, PROXIMAL, WITH EARLY RESPIRATORY MUSCLE INVOLVEMENT; Myopathy, distal, with early respiratory failure, autosomal dominant; EDSTROM MYOPATHY. Identifiers: Orphanet 178464, Orphanet 34521, MedGen C1863599, MONDO:0011362, OMIM 603689.
Tibial muscular dystrophy (TMD). Also called: UDD MYOPATHY; Tibial muscular dystrophy, tardive; Udd Distal Myopathy – Tibial Muscular Dystrophy. Identifiers: Orphanet 609, MedGen C1838244, MONDO:0010870, OMIM 600334.
Early-onset myopathy with fatal cardiomyopathy (CMYO5). Also called: Salih Myopathy; CONGENITAL MYOPATHY 5 WITH CARDIOMYOPATHY. Identifiers: Orphanet 289377, MedGen C2673677, MONDO:0012714, OMIM 611705. Disease mechanism: loss of function.

Allele frequency attached by ClinVar (database versions not stated): 1000 Genomes Project 30x 0.00016; gnomAD 0.00075 and 0.00076; gnomAD exomes 0.00105 and 0.00142; TOPMed 0.00075; ExAC 0.00112; 1000 Genomes Project 0.00020; ESP Exome Variant Server 0.00084.
gnomAD v4.1: 2,160 of 1,613,398 alleles (0.13%); highest among the groups gnomAD compares: Non-Finnish European, 0.16%; 2 homozygotes.

Submissions (21):

CeGaT Center for Human Genetics Tuebingen
Classification: Likely benign. Last evaluated: 2026-08-01. Review status: criteria provided, single submitter. Criteria: CeGaT Center For Human Genetics Tuebingen Variant Classification Criteria Version 2. Collection method: clinical testing. Allele origin: germline. Affected: yes. Observed: 14 variant alleles.
Comment: TTN: BP4, BP7

Labcorp Genetics (formerly Invitae), Labcorp
Classification: Benign for Dilated cardiomyopathy 1G; Autosomal recessive limb-girdle muscular dystrophy type 2J. Last evaluated: 2026-02-03. Review status: criteria provided, single submitter. Criteria: Invitae Variant Classification Sherloc (09022015). Collection method: clinical testing. Allele origin: germline.

Mayo Clinic Laboratories, Mayo Clinic
Classification: Likely benign. Last evaluated: 2025-07-30. Review status: criteria provided, single submitter. Criteria: ACMG Guidelines, 2015. Collection method: clinical testing. Allele origin: germline. Observed: 7 variant alleles.
Comment: BS1, BP4, BP7

Molecular Diagnostic Laboratory for Inherited Cardiovascular Disease, Montreal Heart Institute
Classification: Benign. Last evaluated: 2025-04-09. Review status: criteria provided, single submitter. Criteria: ACMG Guidelines, 2015. Collection method: clinical testing. Allele origin: germline. Affected: no.

Blueprint Genetics
Classification: Likely benign. Last evaluated: 2024-11-22. Review status: criteria provided, single submitter. Criteria: ACMG Guidelines, 2015. Collection method: clinical testing. Allele origin: germline.

Athena Diagnostics
Classification: Benign. Last evaluated: 2024-08-13. Review status: criteria provided, single submitter. Criteria: Athena Diagnostics Criteria. Collection method: clinical testing. Allele origin: unknown.

CHEO Genetics Diagnostic Laboratory, Children's Hospital of Eastern Ontario
Classification: Benign for Cardiomyopathy. Last evaluated: 2020-03-19. Review status: criteria provided, single submitter. Criteria: ACMG Guidelines, 2015. Collection method: clinical testing. Allele origin: germline. Study: Canadian Open Genetics Repository.

Women's Health and Genetics/Laboratory Corporation of America, LabCorp
Classification: Benign. Last evaluated: 2019-08-27. Review status: criteria provided, single submitter. Criteria: LabCorp Variant Classification Summary - May 2015. Collection method: clinical testing. Allele origin: germline.

Illumina Laboratory Services, Illumina
Classification: Benign for Tibial muscular dystrophy. Last evaluated: 2018-01-13. Review status: criteria provided, single submitter. Criteria: ICSL Variant Classification Criteria 13 December 2019. Collection method: clinical testing. Allele origin: germline.
Comment: This variant was observed in the ICSL laboratory as part of a predisposition screen in an ostensibly healthy population. It had not been previously curated by ICSL or reported in the Human Gene Mutation Database (HGMD: prior to June 1st, 2018), and was therefore a candidate for classification through an automated scoring system. Utilizing variant allele frequency, disease prevalence and penetrance estimates, and inheritance mode, an automated score was calculated to assess if this variant is too frequent to cause the disease. Based on the score and internal cut-off values, a variant classified as benign is not then subjected to further curation. The score for this variant resulted in a classification of benign for this disease.

Illumina Laboratory Services, Illumina
Classification: Uncertain significance for Dilated cardiomyopathy 1G. Last evaluated: 2018-01-13. Review status: criteria provided, single submitter. Criteria: ICSL Variant Classification Criteria 13 December 2019. Collection method: clinical testing. Allele origin: germline.

Illumina Laboratory Services, Illumina
Classification: Uncertain significance for Autosomal recessive limb-girdle muscular dystrophy type 2J. Last evaluated: 2018-01-13. Review status: criteria provided, single submitter. Criteria: ICSL Variant Classification Criteria 13 December 2019. Collection method: clinical testing. Allele origin: germline.

Illumina Laboratory Services, Illumina
Classification: Benign for Myopathy, myofibrillar, 9, with early respiratory failure. Last evaluated: 2018-01-13. Review status: criteria provided, single submitter. Criteria: ICSL Variant Classification Criteria 13 December 2019. Collection method: clinical testing. Allele origin: germline.
Comment: the same text as in the submission from Illumina Laboratory Services, Illumina above.

Illumina Laboratory Services, Illumina
Classification: Uncertain significance for Early-onset myopathy with fatal cardiomyopathy. Last evaluated: 2018-01-13. Review status: criteria provided, single submitter. Criteria: ICSL Variant Classification Criteria 13 December 2019. Collection method: clinical testing. Allele origin: germline.

Laboratory for Molecular Medicine, Mass General Brigham Personalized Medicine
Classification: Likely benign. Last evaluated: 2017-01-23. Review status: criteria provided, single submitter. Criteria: LMM Criteria. Collection method: clinical testing. Allele origin: germline. Observed: 6 variant alleles.
Comment: p.Ile5941Ile in exon 71 of TTN: This variant is not expected to have clinical si gnificance because it does not alter an amino acid residue and is not located wi thin the splice consensus sequence. It has been identified in 0.2% (113/65932) o f European (Non-Finnish) chromosomes by the Exome Aggregation Consortium (ExAC; dbSNP rs201155967).

Eurofins Ntd Llc (ga)
Classification: Likely benign. Last evaluated: 2015-08-18. Review status: criteria provided, single submitter. Criteria: EGL Classification Definitions 2015. Collection method: clinical testing. Allele origin: germline. Observed: 1 variant allele, 1 heterozygote.

GeneDx
Classification: Benign. Last evaluated: 2014-04-30. Review status: criteria provided, single submitter. Criteria: GeneDx Variant Classification (06012015). Collection method: clinical testing. Allele origin: germline. Affected: yes.
Comment: This variant is considered likely benign or benign based on one or more of the following criteria: it is a conservative change, it occurs at a poorly conserved position in the protein, it is predicted to be benign by multiple in silico algorithms, and/or has population frequency not consistent with disease.

Clinical Genetics DNA and cytogenetics Diagnostics Lab, Erasmus MC, Erasmus Medical Center
Classification: Likely benign. Review status: no assertion criteria provided. Collection method: clinical testing. Allele origin: germline. Affected: yes. Study: VKGL Data-share Consensus. Not counted in ClinVar's aggregate classification.

Clinical Genetics, Academic Medical Center
Classification: Benign. Review status: no assertion criteria provided. Collection method: clinical testing. Allele origin: germline. Affected: yes. Study: VKGL Data-share Consensus. Not counted in ClinVar's aggregate classification.

Diagnostic Laboratory, Department of Genetics, University Medical Center Groningen
Classification: Likely benign. Review status: no assertion criteria provided. Collection method: clinical testing. Allele origin: germline. Affected: yes. Study: VKGL Data-share Consensus. Not counted in ClinVar's aggregate classification.

Genome Diagnostics Laboratory, University Medical Center Utrecht
Classification: Likely benign. Review status: no assertion criteria provided. Collection method: clinical testing. Allele origin: germline. Affected: yes. Study: VKGL Data-share Consensus. Not counted in ClinVar's aggregate classification.

Laboratory of Diagnostic Genome Analysis, Leiden University Medical Center (LUMC)
Classification: Likely benign. Review status: no assertion criteria provided. Collection method: clinical testing. Allele origin: germline. Affected: yes. Study: VKGL Data-share Consensus. Not counted in ClinVar's aggregate classification.

NM_001267550.2(TTN):c.21555C>A (p.Ile7185=)

Gene: TTN (titin; minus strand). Cytogenetic location: 2q31.2.
Variant type: single nucleotide variant.
Coding change: c.21555C>A on transcript NM_001267550.2 (MANE Select); coding-DNA position 21555, C replaced by A.
Protein change: p.Ile7185=; no amino-acid change (isoleucine 7185 retained).
Molecular consequence: synonymous variant. On other transcripts: intron variant (3).
Genome position (GRCh38, 1-based): chr2:178,723,545, G>T on the plus strand (C>A on the coding strand, the complement: TTN is on the minus strand). VCF-style: chr2-178723545-G-T. GRCh37 (hg19) VCF-style: chr2-179588272-G-T.
Other names: p.I6868I:ATC>ATA; p.Ile6868=; c.20604C>A, p.Ile6868= (NM_001256850.1); c.17823C>A, p.Ile5941= (NM_133378.4); c.13282+14537C>A (NM_003319.4); c.13858+14537C>A (NM_133437.4); c.13657+14537C>A (NM_133432.3).
Identifiers: ClinVar variation 137841 (VCV000137841.73), dbSNP rs201155967, ClinGen allele CA295759.